The following is an entry in ClinVar:

ClinVar aggregate classification (germline): Conflicting classifications of pathogenicity. Review status: criteria provided, conflicting classifications (1 of 4 stars). 2 submissions from 2 submitters: Uncertain significance (1); Likely benign (1). Last evaluated 2025-05-27.

Conditions:
MHC class II deficiency. Also called: Bare lymphocyte syndrome 2; BLS, TYPE II. Identifiers: Orphanet 572, MedGen C5447452, MONDO:0008855.

Allele frequency attached by ClinVar (database versions not stated): gnomAD 0.00002; gnomAD exomes 0.00002; TOPMed 0.00004.
gnomAD v4.1: 40 of 1,614,090 alleles (0.0025%); highest among the groups gnomAD compares: Middle Eastern, 0.016%; no homozygotes.

Submissions (2):

Labcorp Genetics (formerly Invitae), Labcorp
Classification: Uncertain significance for MHC class II deficiency. Last evaluated: 2025-05-27. Review status: criteria provided, single submitter. Criteria: Invitae Variant Classification Sherloc (09022015). Collection method: clinical testing. Allele origin: germline.
Comment: This sequence change replaces glycine, which is neutral and non-polar, with arginine, which is basic and polar, at codon 22 of the RFXANK protein (p.Gly22Arg). This variant is present in population databases (no rsID available, gnomAD 0.004%). This variant has not been reported in the literature in individuals affected with RFXANK-related conditions. ClinVar contains an entry for this variant (Variation ID: 1018685). An algorithm developed to predict the effect of missense changes on protein structure and function outputs the following: PolyPhen-2: "Benign". The arginine amino acid residue is found in multiple mammalian species, which suggests that this missense change does not adversely affect protein function. In summary, the available evidence is currently insufficient to determine the role of this variant in disease. Therefore, it has been classified as a Variant of Uncertain Significance.

Blueprint Genetics
Classification: Likely benign. Last evaluated: 2024-11-27. Review status: criteria provided, single submitter. Criteria: ACMG Guidelines, 2015. Collection method: clinical testing. Allele origin: germline.

NM_003721.4(RFXANK):c.64G>C (p.Gly22Arg)

Gene: RFXANK (regulatory factor X associated ankyrin containing protein; plus strand). Cytogenetic location: 19p13.11.
Variant type: single nucleotide variant.
Coding change: c.64G>C on transcript NM_003721.4 (MANE Select); coding-DNA position 64, G replaced by C.
Protein change: p.Gly22Arg; replaces glycine 22 with arginine.
Molecular consequence: missense variant.
Genome position (GRCh38, 1-based): chr19:19,194,010, G>C. VCF-style: chr19-19194010-G-C. GRCh37 (hg19) VCF-style: chr19-19304819-G-C.
Other names: c.64G>C, p.Gly22Arg (NM_001278727.2, NM_001278728.2, NM_001370233.1 and 6 more transcripts); short protein forms G22R.
Identifiers: ClinVar variation 1018685 (VCV001018685.8), dbSNP rs968833538, ClinGen allele CA306276052.
Genomic context (GRCh38, chr19:19,194,010, plus strand): 5'-GAGCTTACCCAGCCTGCAGAAGACCTCATCCAGACCCAGCAGACCCCTGCCTCAGAACTT[G>C]GGGACCCTGAAGACCCCGGAGAGGAGGCTGCAGATGGCTCAGACACTGTGGTCCTCAGTC-3'
Protein context (NP_003712.1, residues 12-32): QTQQTPASEL[Gly22Arg]DPEDPGEEAA